The following is an entry in ClinVar:

ClinVar aggregate classification (germline): Uncertain significance. Review status: criteria provided, multiple submitters, no conflicts (2 of 4 stars). 4 submissions from 4 submitters: Uncertain significance (4). Last evaluated 2025-08-06.

Conditions:
HK1-related disorder. Also called: HK1-related disorders; HK1-related condition.
Inborn genetic diseases. Identifiers: MedGen C0950123, MeSH D030342.

Allele frequency attached by ClinVar (database versions not stated): ESP Exome Variant Server 0.00023.
gnomAD v4.1: 43 of 1,614,094 alleles (0.0027%); highest among the groups gnomAD compares: Non-Finnish European, 0.0035%; no homozygotes.

Submissions (4):

Labcorp Genetics (formerly Invitae), Labcorp
Classification: Uncertain significance. Last evaluated: 2025-08-06. Review status: criteria provided, single submitter. Criteria: Invitae Variant Classification Sherloc (09022015). Collection method: clinical testing. Allele origin: germline.
Comment: This sequence change replaces isoleucine, which is neutral and non-polar, with methionine, which is neutral and non-polar, at codon 470 of the HK1 protein (p.Ile470Met). This variant is present in population databases (rs369549284, gnomAD 0.007%). This variant has not been reported in the literature in individuals affected with HK1-related conditions. ClinVar contains an entry for this variant (Variation ID: 1367679). Invitae Evidence Modeling of protein sequence and biophysical properties (such as structural, functional, and spatial information, amino acid conservation, physicochemical variation, residue mobility, and thermodynamic stability) indicates that this missense variant is not expected to disrupt HK1 protein function with a negative predictive value of 80%. In summary, the available evidence is currently insufficient to determine the role of this variant in disease. Therefore, it has been classified as a Variant of Uncertain Significance.

PreventionGenetics, part of Exact Sciences
Classification: Uncertain significance for HK1-related condition. Last evaluated: 2025-04-02. Review status: criteria provided, single submitter. Criteria: ACMG Guidelines, 2015. Collection method: clinical testing. Allele origin: germline.
Comment: The HK1 c.1410A>G variant is predicted to result in the amino acid substitution p.Ile470Met. To our knowledge, this variant has not been reported in the literature. This variant is present in 0.0065% of alleles in individuals of European (Non-Finnish) descent in gnomAD. At this time, the clinical significance of this variant is uncertain due to the absence of conclusive functional and genetic evidence.

Revvity Omics, Revvity
Classification: Uncertain significance. Last evaluated: 2024-09-22. Review status: criteria provided, single submitter. Criteria: ACMG Guidelines, 2015. Collection method: clinical testing. Allele origin: germline.

Ambry Genetics
Classification: Uncertain significance for Inborn genetic diseases. Last evaluated: 2023-09-20. Review status: criteria provided, single submitter. Criteria: Ambry Variant Classification Scheme 2023. Collection method: clinical testing. Allele origin: germline.

NM_000188.3(HK1):c.1410A>G (p.Ile470Met)

Gene: HK1 (hexokinase 1; plus strand). Cytogenetic location: 10q22.1.
Variant type: single nucleotide variant.
Coding change: c.1410A>G on transcript NM_000188.3 (MANE Select); coding-DNA position 1410, A replaced by G.
Protein change: p.Ile470Met; replaces isoleucine 470 with methionine.
Molecular consequence: missense variant.
Genome position (GRCh38, 1-based): chr10:69,382,631, A>G. VCF-style: chr10-69382631-A-G. GRCh37 (hg19) VCF-style: chr10-71142387-A-G.
Other names: c.1422A>G, p.Ile474Met (NM_001322364.2, NM_001358263.1, NM_033497.3 and 1 more transcripts); c.1515A>G, p.Ile505Met (NM_001322365.2); c.1326A>G, p.Ile442Met (NM_001322366.1); c.1314A>G, p.Ile438Met (NM_001322367.1); c.1407A>G, p.Ile469Met (NM_033496.3); c.1374A>G, p.Ile458Met (NM_033500.2); c.1410A>G (NM_000188.2); short protein forms I505M, I438M, I442M, I458M, I470M, I474M, I469M.
Identifiers: ClinVar variation 1367679 (VCV001367679.11), dbSNP rs369549284, ClinGen allele CA209213189.